The following is an entry in ClinVar:

ClinVar aggregate classification (germline): Uncertain significance. Review status: criteria provided, multiple submitters, no conflicts (2 of 4 stars). 3 submissions from 3 submitters: Uncertain significance (3). Last evaluated 2024-03-08.

Conditions:
Duchenne muscular dystrophy (DMD). Also called: Duchenne Muscular Dystrophy (DMD); MUSCULAR DYSTROPHY, PSEUDOHYPERTROPHIC PROGRESSIVE, DUCHENNE TYPE. Identifiers: Orphanet 98896, MedGen C0013264, MONDO:0010679, OMIM 310200.

Allele frequency attached by ClinVar (database versions not stated): TOPMed below 0.00001.

Submissions (3):

GeneDx
Classification: Uncertain significance. Last evaluated: 2024-03-08. Review status: criteria provided, single submitter. Criteria: GeneDx Variant Classification Process June 2021. Collection method: clinical testing. Allele origin: germline. Affected: yes.
Comment: Not observed at significant frequency in large population cohorts (gnomAD); In silico analysis supports that this missense variant has a deleterious effect on protein structure/function; Has not been previously published as pathogenic or benign to our knowledge

Labcorp Genetics (formerly Invitae), Labcorp
Classification: Uncertain significance for Duchenne muscular dystrophy. Last evaluated: 2024-01-08. Review status: criteria provided, single submitter. Criteria: Invitae Variant Classification Sherloc (09022015). Collection method: clinical testing. Allele origin: germline.
Comment: This sequence change replaces lysine, which is basic and polar, with glutamic acid, which is acidic and polar, at codon 31 of the DMD protein (p.Lys31Glu). This variant is not present in population databases (gnomAD no frequency). This variant has not been reported in the literature in individuals affected with DMD-related conditions. ClinVar contains an entry for this variant (Variation ID: 290652). An algorithm developed to predict the effect of missense changes on protein structure and function (PolyPhen-2) suggests that this variant is likely to be tolerated. In summary, the available evidence is currently insufficient to determine the role of this variant in disease. Therefore, it has been classified as a Variant of Uncertain Significance.

Eurofins Ntd Llc (ga)
Classification: Uncertain significance. Last evaluated: 2016-08-27. Review status: criteria provided, single submitter. Criteria: EGL Classification Definitions 2015. Collection method: clinical testing. Allele origin: germline. Observed: 1 variant allele, 1 hemizygote.

NM_004006.3(DMD):c.91A>G (p.Lys31Glu)

Gene: DMD (dystrophin; minus strand). Cytogenetic location: Xp21.1.
Variant type: single nucleotide variant.
Coding change: c.91A>G on transcript NM_004006.3 (MANE Select); coding-DNA position 91, A replaced by G.
Protein change: p.Lys31Glu; replaces lysine 31 with glutamic acid.
Molecular consequence: missense variant. On other transcripts: 5 prime UTR variant (1).
Genome position (GRCh38, 1-based): chrX:33,020,141, T>C on the plus strand (A>G on the coding strand, the complement: DMD is on the minus strand). VCF-style: chrX-33020141-T-C. GRCh37 (hg19) VCF-style: chrX-33038258-T-C.
Other names: c.67A>G, p.Lys23Glu (NM_000109.4); c.79A>G, p.Lys27Glu (NM_004009.3); c.-279A>G (NM_004010.3); c.91A>G (NM_004006.2); short protein forms K31E, K23E, K27E.
Identifiers: ClinVar variation 290652 (VCV000290652.14), dbSNP rs886044521, ClinGen allele CA10606862.